The following is an entry in ClinVar:

NM_000245.4(MET):c.948A>G (p.Ile316Met)

Gene: MET (MET proto-oncogene, receptor tyrosine kinase; plus strand). Cytogenetic location: 7q31.2.
Variant type: single nucleotide variant.
Coding change: c.948A>G on transcript NM_000245.4 (MANE Select); coding-DNA position 948, A replaced by G.
Protein change: p.Ile316Met; replaces isoleucine 316 with methionine.
Molecular consequence: missense variant. On other transcripts: intron variant (1).
Genome position (GRCh38, 1-based): chr7:116,700,032, A>G. VCF-style: chr7-116700032-A-G. GRCh37 (hg19) VCF-style: chr7-116340086-A-G.
Other names: c.948A>G, p.Ile316Met (NM_001127500.3, NM_001324401.3); c.-91+27455A>G (NM_001324402.2); short protein forms I316M.
Identifiers: ClinVar variation 41629 (VCV000041629.71), dbSNP rs35225896, ClinGen allele CA147108.

ClinVar aggregate classification (germline): Benign/Likely benign. Review status: criteria provided, multiple submitters, no conflicts (2 of 4 stars). 21 submissions from 21 submitters: Benign (15); Likely benign (4). 2 of the submissions do not count toward it. Last evaluated 2026-02-03.

Conditions:
Autosomal recessive nonsyndromic hearing loss 97. Also called: Deafness, autosomal recessive 97. Identifiers: Orphanet 90636, MedGen C4084709, MONDO:0014739, OMIM 616705.
Hepatocellular carcinoma (HCC). Also called: Primary carcinoma of liver; HEPATOMA; LIVER CELL CARCINOMA. Identifiers: Orphanet 88673, MedGen C2239176, MONDO:0007256, OMIM 114550, HP:0001402.
Papillary renal cell carcinoma type 1 (RCCP1). Also called: RENAL CELL CARCINOMA, PAPILLARY, 1, SOMATIC; Renal adenocarcinoma; Renal cell carcinoma 1; Renal cell carcinoma, somatic. Identifiers: Orphanet 47044, MedGen C1336839, OMIM 605074, HP:0011797.
Osteofibrous dysplasia (OSFD). Also called: Tibia, bowing of, with pseudarthrosis and pectus excavatum. Identifiers: Orphanet 488265, MedGen C4085248, MONDO:0011806, OMIM 607278.
Arthrogryposis, distal, IIa 11. Also called: Arthrogryposis, distal, type 11. Identifiers: MedGen C5774205, MONDO:0031045, OMIM 620019.
Renal cell carcinoma. Identifiers: Orphanet 217071, MedGen C0007134, MeSH D002292, MONDO:0005086, HP:0005584.
Hereditary cancer-predisposing syndrome. Also called: Neoplastic Syndromes, Hereditary; Tumor predisposition; Hereditary Cancer Syndrome; Hereditary neoplastic syndrome. Identifiers: Orphanet 140162, MedGen C0027672, MeSH D009386, MONDO:0015356.

Allele frequency attached by ClinVar (database versions not stated): 1000 Genomes Project 30x 0.00531; ExAC 0.00177; gnomAD 0.00582 and 0.00641; gnomAD exomes 0.00163; ESP Exome Variant Server 0.00629; TOPMed 0.00659; 1000 Genomes Project 0.00539.
gnomAD v4.1: 2,179 of 1,614,038 alleles (0.14%); highest among the groups gnomAD compares: African/African-American, 2.1%; 16 homozygotes.

Submissions (21):

Labcorp Genetics (formerly Invitae), Labcorp
Classification: Benign for Renal cell carcinoma. Last evaluated: 2026-02-03. Review status: criteria provided, single submitter. Criteria: Invitae Variant Classification Sherloc (09022015). Collection method: clinical testing. Allele origin: germline.

Dasa
Classification: Likely benign. Last evaluated: 2025-11-19. Review status: criteria provided, single submitter. Criteria: DASA Assertion Criteria. Collection method: clinical testing. Allele origin: germline.
Comment: NM_000245.4(MET):c.948A>G (p.Ile316Met) is a missense variant that results in the substitution of isoleucine with methionine. Population frequency is inconsistent with a disease-causing role for this variant. Computational prediction algorithms are consistent with a benign effect. Therefore, based on the currently available evidence, this variant is classified as likely benign.

CeGaT Center for Human Genetics Tuebingen
Classification: Benign. Last evaluated: 2025-08-01. Review status: criteria provided, single submitter. Criteria: CeGaT Center For Human Genetics Tuebingen Variant Classification Criteria Version 2. Collection method: clinical testing. Allele origin: germline. Affected: yes. Observed: 6 variant alleles.
Comment: MET: BS1, BS2

ARUP Laboratories, Molecular Genetics and Genomics, ARUP Laboratories
Classification: Benign. Last evaluated: 2025-07-18. Review status: criteria provided, single submitter. Criteria: ARUP Molecular Germline Variant Investigation Process 2024. Collection method: clinical testing. Allele origin: germline.

Laboratorio de I+D, Fundación Centro Médico de Asturias
Classification: Benign for Hereditary cancer-predisposing syndrome. Last evaluated: 2025-07-10. Review status: criteria provided, single submitter. Criteria: ACMG Guidelines, 2015. Collection method: clinical testing. Allele origin: germline.
Comment: BS1+BS2+BP4

Mayo Clinic Laboratories, Mayo Clinic
Classification: Likely benign. Last evaluated: 2025-06-11. Review status: criteria provided, single submitter. Criteria: ACMG Guidelines, 2015. Collection method: clinical testing. Allele origin: germline. Observed: 2 variant alleles.
Comment: BS1, BP4

Center for Genomic Medicine, Rigshospitalet, Copenhagen University Hospital
Classification: Benign. Last evaluated: 2025-03-04. Review status: criteria provided, single submitter. Criteria: ACMG Guidelines, 2015. Collection method: clinical testing. Allele origin: germline.

Blueprint Genetics
Classification: Likely benign. Last evaluated: 2024-11-26. Review status: criteria provided, single submitter. Criteria: ACMG Guidelines, 2015. Collection method: clinical testing. Allele origin: germline.

Myriad Genetics, Inc.
Classification: Benign for Papillary renal cell carcinoma type 1. Last evaluated: 2024-11-06. Review status: criteria provided, single submitter. Criteria: Myriad Autosomal Dominant, Autosomal Recessive and X-Linked Classification Criteria (2023). Collection method: clinical testing. Allele origin: unknown.
Comment: This variant is considered benign. This variant has been observed at a population frequency that is significantly greater than expected given the associated disease prevalence and penetrance.

Department of Pathology and Laboratory Medicine, Sinai Health System
Classification: Benign for Hepatocellular carcinoma; Papillary renal cell carcinoma type 1; Osteofibrous dysplasia; Autosomal recessive nonsyndromic hearing loss 97; Arthrogryposis, distal, IIa 11. Last evaluated: 2022-10-31. Review status: criteria provided, single submitter. Criteria: ACMG Guidelines, 2015. Collection method: clinical testing. Allele origin: germline. Affected: yes.

Fulgent Genetics
Classification: Likely benign for Hepatocellular carcinoma; Papillary renal cell carcinoma type 1; Osteofibrous dysplasia; Autosomal recessive nonsyndromic hearing loss 97. Last evaluated: 2022-05-31. Review status: criteria provided, single submitter. Criteria: ACMG Guidelines, 2015. Collection method: clinical testing. Allele origin: unknown.

Women's Health and Genetics/Laboratory Corporation of America, LabCorp
Classification: Benign. Last evaluated: 2021-08-01. Review status: criteria provided, single submitter. Criteria: LabCorp Variant Classification Summary - May 2015. Collection method: clinical testing. Allele origin: germline.
Comment: Variant summary: MET c.948A>G (p.Ile316Met) results in a conservative amino acid change located in the Sema domain (IPR001627) of the encoded protein sequence. Three of five in-silico tools predict a damaging effect of the variant on protein function. The variant allele was found at a frequency of 0.0016 in 248850 control chromosomes. The observed variant frequency is approximately 1085 fold of the estimated maximal expected allele frequency for a pathogenic variant in MET causing Papillary Renal Cell Carcinoma phenotype (1.5e-06), strongly suggesting that the variant is benign. To our knowledge, no occurrence of c.948A>G in individuals affected with Papillary Renal Cell Carcinoma and no experimental evidence demonstrating its impact on protein function have been reported. Four clinical diagnostic laboratories have submitted clinical-significance assessments for this variant to ClinVar after 2014 without evidence for independent evaluation. All laboratories classified the variant as benign/likely benign. Based on the evidence outlined above, the variant was classified as benign.

Sema4
Classification: Benign for Hereditary cancer-predisposing syndrome. Last evaluated: 2021-04-29. Review status: criteria provided, single submitter. Criteria: Sema4 Curation Guidelines. Collection method: curation. Allele origin: germline.

GeneDx
Classification: Benign. Last evaluated: 2018-05-03. Review status: criteria provided, single submitter. Criteria: GeneDx Variant Classification Process June 2021. Collection method: clinical testing. Allele origin: germline. Affected: yes.
Comment: This variant is associated with the following publications: (PMID: 21904579, 24728327, 31801140)

Illumina Laboratory Services, Illumina
Classification: Benign for Papillary renal cell carcinoma type 1. Last evaluated: 2018-01-13. Review status: criteria provided, single submitter. Criteria: ICSL Variant Classification Criteria 13 December 2019. Collection method: clinical testing. Allele origin: germline.
Comment: This variant was observed in the ICSL laboratory as part of a predisposition screen in an ostensibly healthy population. It had not been previously curated by ICSL or reported in the Human Gene Mutation Database (HGMD: prior to June 1st, 2018), and was therefore a candidate for classification through an automated scoring system. Utilizing variant allele frequency, disease prevalence and penetrance estimates, and inheritance mode, an automated score was calculated to assess if this variant is too frequent to cause the disease. Based on the score and internal cut-off values, a variant classified as benign is not then subjected to further curation. The score for this variant resulted in a classification of benign for this disease.

Ambry Genetics
Classification: Benign for Hereditary cancer-predisposing syndrome. Last evaluated: 2014-12-12. Review status: criteria provided, single submitter. Criteria: Ambry Variant Classification Scheme 2023. Collection method: clinical testing. Allele origin: germline.

Eurofins Ntd Llc (ga)
Classification: Benign. Last evaluated: 2012-12-06. Review status: criteria provided, single submitter. Criteria: EGL Classification Definitions 2015. Collection method: clinical testing. Allele origin: germline. Observed: 2 variant alleles, 2 heterozygotes.

Breakthrough Genomics
Classification: Benign. Review status: criteria provided, single submitter. Criteria: ACMG Guidelines, 2015. Collection method: not provided. Allele origin: germline. Inheritance: Autosomal recessive inheritance. Affected: yes.

PreventionGenetics, part of Exact Sciences
Classification: Benign. Review status: criteria provided, single submitter. Criteria: ACMG Guidelines, 2015. Collection method: clinical testing. Allele origin: germline.

ITMI
No classification provided. Condition: AllHighlyPenetrant. Last evaluated: 2013-09-19. Review status: no classification provided. Collection method: reference population. Allele origin: germline. Not counted in ClinVar's aggregate classification.
Comment: Please see associated publication for description of ethnicities

Biesecker Lab/Clinical Genomics Section, National Institutes of Health
Classification: Uncertain significance. Last evaluated: 2012-07-13. Review status: no assertion criteria provided. Collection method: research. Allele origin: germline. Affected: no. Observed: 3 variant alleles. Study: ClinSeq. Not counted in ClinVar's aggregate classification.
ClinVar note: Converted during submission from variant of unknown significance to Uncertain significance.

Literature cited by the submitters: PubMed 24728327 (cited by ITMI).